The following is an entry in ClinVar:

NM_004972.4(JAK2):c.2662A>T (p.Thr888Ser)

Genes: INSL6 (insulin like 6; minus strand), JAK2 (Janus kinase 2; plus strand). Cytogenetic location: 9p24.1.
Variant type: single nucleotide variant.
Coding change: c.2662A>T on transcript NM_004972.4 (MANE Select); coding-DNA position 2662, A replaced by T.
Protein change: p.Thr888Ser; replaces threonine 888 with serine.
Molecular consequence: missense variant. On other transcripts: non-coding transcript variant (2).
Genome position (GRCh38, 1-based): chr9:5,089,764, A>T. VCF-style: chr9-5089764-A-T. GRCh37 (hg19) VCF-style: chr9-5089764-A-T.
Other names: p.Thr888Ser; c.2662A>T, p.Thr888Ser (NM_001322194.2, NM_001322195.2, NM_001322196.2); c.2215A>T, p.Thr739Ser (NM_001322204.2); c.1447A>T, p.Thr483Ser (NM_001322198.2, NM_001322199.2); c.2662A>T (NM_004972.3); short protein forms T483S, T739S, T888S.
Identifiers: ClinVar variation 1185027 (VCV001185027.2), dbSNP rs1426814242, ClinGen allele CA372829020.

ClinVar aggregate classification (germline): Conflicting classifications of pathogenicity. Review status: criteria provided, conflicting classifications (1 of 4 stars). 2 submissions from 2 submitters: Uncertain significance (1); Likely benign (1). Last evaluated 2023-12-22.

Allele frequency attached by ClinVar (database versions not stated): gnomAD exomes below 0.00001; TOPMed 0.00001.
gnomAD v4.1: 16 of 1,597,988 alleles (0.001%); highest among the groups gnomAD compares: Non-Finnish European, 0.0014%; no homozygotes.

Submissions (2):

Mayo Clinic Laboratories, Mayo Clinic
Classification: Uncertain significance. Last evaluated: 2023-12-22. Review status: criteria provided, single submitter. Criteria: ACMG Guidelines, 2015. Collection method: clinical testing. Allele origin: germline. Observed: 1 variant allele.
Comment: PM2_moderate

Johns Hopkins Genomics, Johns Hopkins University
Classification: Likely benign. Last evaluated: 2021-07-02. Review status: criteria provided, single submitter. Criteria: ACMG Guidelines, 2015. Collection method: clinical testing. Allele origin: germline.

Literature cited by the submitters: PubMed 31106152 (cited by Johns Hopkins Genomics, Johns Hopkins University).